The following is an entry in ClinVar:

ClinVar aggregate classification (germline): Uncertain significance (1 of 4 stars; one submission).

Conditions:
Long QT syndrome (LQTS). Identifiers: MedGen C0023976, MeSH D008133, MONDO:0002442. Disease mechanism: loss of function. Inheritance: Various modes of inheritance.

Submission:

Labcorp Genetics (formerly Invitae), Labcorp
Classification: Uncertain significance for Long QT syndrome. Last evaluated: 2025-12-08. Review status: criteria provided, single submitter. Criteria: Invitae Variant Classification Sherloc (09022015). Collection method: clinical testing. Allele origin: germline.
Comment: This sequence change is expected to alter the c-terminus of the KCNJ5 protein (p.Pro384Hisfs*51). While this is not anticipated to result in nonsense mediated decay, it is expected to disrupt the last 36 amino acid(s) of the KCNJ5 protein and extend the protein by 14 additional amino acid residues. This variant is not present in population databases (gnomAD no frequency). This variant has not been reported in the literature in individuals affected with KCNJ5-related conditions. ClinVar contains an entry for this variant (Variation ID: 2738387). Experimental studies and prediction algorithms are not available or were not evaluated, and the functional significance of this variant is currently unknown. In summary, the available evidence is currently insufficient to determine the role of this variant in disease. Therefore, it has been classified as a Variant of Uncertain Significance.

NM_000890.5(KCNJ5):c.1151del (p.Pro384fs)

Gene: KCNJ5 (potassium inwardly rectifying channel subfamily J member 5; plus strand). Cytogenetic location: 11q24.3.
Variant type: Deletion.
Coding change: c.1151del on transcript NM_000890.5 (MANE Select); coding-DNA position 1151, one base deleted (C; older notation c.1151delC).
Protein change: p.Pro384fs; shifts the reading frame from proline 384.
Molecular consequence: frameshift variant.
Genome position (GRCh38, 1-based): chr11:128,916,622, C deleted; the last of 6 consecutive C bases (chr11:128,916,617-128,916,622); deleting any one gives the same sequence. VCF-style (leftmost placement, unchanged base first): chr11-128916616-GC-G. GRCh37 (hg19) VCF-style: chr11-128786511-GC-G.
Other names: c.1151del, p.Pro384fs (NM_001354169.2); short protein forms P384fs.
Identifiers: ClinVar variation 2738387 (VCV002738387.3), dbSNP rs1944586538, ClinGen allele CA2616776010.